The following is an entry in ClinVar:

NM_004360.5(CDH1):c.92G>A (p.Gly31Asp)

Gene: CDH1 (cadherin 1; plus strand). Cytogenetic location: 16q22.1.
Variant type: single nucleotide variant.
Coding change: c.92G>A on transcript NM_004360.5 (MANE Select); coding-DNA position 92, G replaced by A.
Protein change: p.Gly31Asp; replaces glycine 31 with aspartic acid.
Molecular consequence: missense variant. On other transcripts: 5 prime UTR variant (2).
Genome position (GRCh38, 1-based): chr16:68,738,340, G>A. VCF-style: chr16-68738340-G-A. GRCh37 (hg19) VCF-style: chr16-68772243-G-A.
Other names: c.92G>A, p.Gly31Asp (NM_001317184.2); c.-1524G>A (NM_001317185.2); c.-1728G>A (NM_001317186.2); short protein forms G31D.
Identifiers: ClinVar variation 823156 (VCV000823156.20), dbSNP rs1131690823, ClinGen allele CA396451873.

ClinVar aggregate classification (germline): Uncertain significance. Review status: criteria provided, multiple submitters, no conflicts (2 of 4 stars). 4 submissions from 4 submitters: Uncertain significance (4). Last evaluated 2025-12-06.

Conditions:
Familial cancer of breast. Also called: Hereditary breast cancer; hereditary breast carcinoma; BREAST CANCER, FAMILIAL. Identifiers: Orphanet 227535, MedGen C0346153, MONDO:0016419, OMIM 114480. Disease mechanism: loss of function.
Hereditary cancer-predisposing syndrome. Also called: Hereditary Cancer Syndrome; Neoplastic Syndromes, Hereditary; Hereditary neoplastic syndrome; Tumor predisposition. Identifiers: Orphanet 140162, MedGen C0027672, MeSH D009386, MONDO:0015356.
Hereditary diffuse gastric adenocarcinoma (HDGC). Also called: DIFFUSE GASTRIC AND LOBULAR BREAST CANCER SYNDROME. Identifiers: Orphanet 26106, MedGen C1708349, MONDO:0007648, OMIM 137215.

Allele frequency attached by ClinVar (database versions not stated): gnomAD exomes 0.00001.
gnomAD v4.1: 3 of 1,538,508 alleles (0.00019%); highest among the groups gnomAD compares: Non-Finnish European, 0.00026%; no homozygotes.

Submissions (4):

Labcorp Genetics (formerly Invitae), Labcorp
Classification: Uncertain significance for Hereditary diffuse gastric adenocarcinoma. Last evaluated: 2025-12-06. Review status: criteria provided, single submitter. Criteria: Invitae Variant Classification Sherloc (09022015). Collection method: clinical testing. Allele origin: germline.
Comment: This sequence change replaces glycine, which is neutral and non-polar, with aspartic acid, which is acidic and polar, at codon 31 of the CDH1 protein (p.Gly31Asp). This variant is not present in population databases (gnomAD no frequency). This variant has not been reported in the literature in individuals affected with CDH1-related conditions. ClinVar contains an entry for this variant (Variation ID: 823156). An algorithm developed to predict the effect of missense changes on protein structure and function (PolyPhen-2) suggests that this variant is likely to be disruptive. In summary, the available evidence is currently insufficient to determine the role of this variant in disease. Therefore, it has been classified as a Variant of Uncertain Significance.

Ambry Genetics
Classification: Uncertain significance for Hereditary cancer-predisposing syndrome. Last evaluated: 2024-05-01. Review status: criteria provided, single submitter. Criteria: Ambry Variant Classification Scheme 2023. Collection method: clinical testing. Allele origin: germline.
Comment: The p.G31D variant (also known as c.92G>A), located in coding exon 2 of the CDH1 gene, results from a G to A substitution at nucleotide position 92. The glycine at codon 31 is replaced by aspartic acid, an amino acid with similar properties. This amino acid position is highly conserved in available vertebrate species. In addition, the in silico prediction for this alteration is inconclusive. Since supporting evidence is limited at this time, the clinical significance of this alteration remains unclear.

Color Diagnostics, LLC DBA Color Health
Classification: Uncertain significance for Hereditary cancer-predisposing syndrome. Last evaluated: 2024-03-06. Review status: criteria provided, single submitter. Criteria: ACMG Guidelines, 2015. Collection method: clinical testing. Allele origin: germline.
Comment: This missense variant replaces glycine with aspartic acid at codon 31 of the CDH1 protein. Computational prediction suggests that this variant may not impact protein structure and function (internally defined REVEL score threshold <= 0.5, PMID: 27666373). Splice site prediction tools suggest that this variant may not impact RNA splicing. To our knowledge, functional studies have not been performed for this variant. This variant has not been reported in individuals affected with hereditary cancer in the literature. This variant has not been identified in the general population by the Genome Aggregation Database (gnomAD). The available evidence is insufficient to determine the role of this variant in disease conclusively. Therefore, this variant is classified as a Variant of Uncertain Significance.

Baylor Genetics
Classification: Uncertain significance for Familial cancer of breast. Last evaluated: 2023-12-16. Review status: criteria provided, single submitter. Criteria: ACMG Guidelines, 2015. Collection method: clinical testing. Allele origin: unknown.